The following is an entry in ClinVar:

NM_014314.4(RIGI):c.241+1G>A

Gene: RIGI (RNA sensor RIG-I; minus strand). Cytogenetic location: 9p21.1.
Variant type: single nucleotide variant.
Coding change: c.241+1G>A on transcript NM_014314.4 (MANE Select); the canonical splice donor site of the intron after coding-DNA position 241, G replaced by A.
Molecular consequence: splice donor variant.
Genome position (GRCh38, 1-based): chr9:32,500,804, C>T on the plus strand (G>A on the coding strand, the complement: RIGI is on the minus strand). VCF-style: chr9-32500804-C-T. GRCh37 (hg19) VCF-style: chr9-32500802-C-T.
Other names: c.-221+1G>A (NM_001385912.1); c.241+1G>A (NM_001385913.1, NM_001385907.1, NM_001385909.1); c.-214+1G>A (NM_001385914.1, NM_001385910.1).
Identifiers: ClinVar variation 4766902 (VCV004766902.1).
Genomic context (GRCh38, chr9:32,500,804, plus strand): 5'-ACAGTATTGTCAAGCAGCAAAGTAATATCCTCTGATTTGTGATTAAAAAGAATGAACTAA[C>T]CTGCATGGTCTAGGGCATCCAAAAAGCCACGGAACCAGCCTTCCTCCTGGAGCTCCAACA-3'

ClinVar aggregate classification (germline): Uncertain significance (1 of 4 stars; one submission).

Submission:

Labcorp Genetics (formerly Invitae), Labcorp
Classification: Uncertain significance. Last evaluated: 2025-07-20. Review status: criteria provided, single submitter. Criteria: Invitae Variant Classification Sherloc (09022015). Collection method: clinical testing. Allele origin: germline.
Comment: This sequence change affects a donor splice site in intron 2 of the DDX58 gene. It is expected to disrupt RNA splicing. Variants that disrupt the donor or acceptor splice site typically lead to a loss of protein function (PMID: 16199547), however the current clinical and genetic evidence is not sufficient to establish whether loss-of-function variants in DDX58 cause disease. This variant is not present in population databases (gnomAD no frequency). This variant has not been reported in the literature in individuals affected with DDX58-related conditions. Algorithms developed to predict the effect of sequence changes on RNA splicing suggest that this variant may disrupt the consensus splice site. In summary, the available evidence is currently insufficient to determine the role of this variant in disease. Therefore, it has been classified as a Variant of Uncertain Significance.

Literature cited by the submitters: PubMed 16199547.